The following is an entry in ClinVar:

NM_139027.6(ADAMTS13):c.546C>T (p.Asp182=)

Gene: ADAMTS13 (ADAM metallopeptidase with thrombospondin type 1 motif 13; plus strand). Cytogenetic location: 9q34.2.
Variant type: single nucleotide variant.
Coding change: c.546C>T on transcript NM_139027.6 (MANE Select); coding-DNA position 546, C replaced by T.
Protein change: p.Asp182=; no amino-acid change (aspartic acid 182 retained).
Molecular consequence: synonymous variant. On other transcripts: non-coding transcript variant (1).
Genome position (GRCh38, 1-based): chr9:133,426,205, C>T. VCF-style: chr9-133426205-C-T. GRCh37 (hg19) VCF-style: chr9-136291325-C-T.
Other names: p.Asp182=; c.546C>T, p.Asp182= (NM_139025.5, NM_139026.6).
Identifiers: ClinVar variation 912638 (VCV000912638.10), dbSNP rs148849381, ClinGen allele CA200922190.

ClinVar aggregate classification (germline): Benign/Likely benign. Review status: criteria provided, multiple submitters, no conflicts (2 of 4 stars). 4 submissions from 4 submitters: Benign (2); Likely benign (2). Last evaluated 2026-01-26.

Conditions:
Upshaw-Schulman syndrome (TTP). Also called: THROMBOTIC THROMBOCYTOPENIC PURPURA, HEREDITARY; Congenital thrombotic thrombocytopenic purpura. Identifiers: Orphanet 93583, MedGen C1268935, MONDO:0010122, OMIM 274150.

Allele frequency attached by ClinVar (database versions not stated): gnomAD 0.00018 and 0.00029; TOPMed 0.00025; gnomAD exomes 0.00031 and 0.00072; ExAC 0.00069; 1000 Genomes Project 30x 0.00172; 1000 Genomes Project 0.00220.
gnomAD v4.1: 496 of 1,613,914 alleles (0.031%); highest among the groups gnomAD compares: East Asian, 1%; 2 homozygotes.

Submissions (4):

Labcorp Genetics (formerly Invitae), Labcorp
Classification: Benign. Last evaluated: 2026-01-26. Review status: criteria provided, single submitter. Criteria: Invitae Variant Classification Sherloc (09022015). Collection method: clinical testing. Allele origin: germline.

Mayo Clinic Laboratories, Mayo Clinic
Classification: Likely benign. Last evaluated: 2025-07-15. Review status: criteria provided, single submitter. Criteria: ACMG Guidelines, 2015. Collection method: clinical testing. Allele origin: germline. Observed: 2 variant alleles.
Comment: BS1, BS2_supporting, BP4, BP7

Blueprint Genetics
Classification: Likely benign. Last evaluated: 2024-09-20. Review status: criteria provided, single submitter. Criteria: ACMG Guidelines, 2015. Collection method: clinical testing. Allele origin: germline.

Illumina Laboratory Services, Illumina
Classification: Benign for Upshaw-Schulman syndrome. Last evaluated: 2017-04-27. Review status: criteria provided, single submitter. Criteria: ICSL Variant Classification Criteria 13 December 2019. Collection method: clinical testing. Allele origin: germline.
Comment: This variant was observed as part of a predisposition screen in an ostensibly healthy population. A literature search was performed for the gene, cDNA change, and amino acid change (where applicable). No publications were found based on this search. Allele frequency data from public databases was too high to be consistent with this variant causing disease. Therefore, this variant is classified as benign.